The following is an entry in ClinVar:

ClinVar aggregate classification (germline): Conflicting classifications of pathogenicity. Review status: criteria provided, conflicting classifications (1 of 4 stars). 3 submissions from 2 submitters: Uncertain significance (2); Likely benign (1). Last evaluated 2025-12-31.

Conditions:
Transitory neonatal diabetes mellitus. Also called: Transient neonatal diabetes mellitus. Identifiers: MedGen C0342273, MONDO:0020525, HP:0008255.
Maturity-onset diabetes of the young (MODY). Also called: Maturity onset diabetes mellitus in young. Identifiers: Orphanet 552, MedGen C0342276, MONDO:0018911, HP:0004904.

Allele frequency attached by ClinVar (database versions not stated): gnomAD exomes 0.00001 and 0.00008; gnomAD 0.00005; TOPMed 0.00006; ExAC 0.00007.
gnomAD v4.1: 32 of 1,613,980 alleles (0.002%); highest among the groups gnomAD compares: East Asian, 0.062%; no homozygotes.

Submissions (3):

Labcorp Genetics (formerly Invitae), Labcorp
Classification: Likely benign. Last evaluated: 2025-12-31. Review status: criteria provided, single submitter. Criteria: Invitae Variant Classification Sherloc (09022015). Collection method: clinical testing. Allele origin: germline.

Clinical Genomics, Uppaluri K&H Personalized Medicine Clinic
Classification: Uncertain significance for Maturity-onset diabetes of the young. Review status: criteria provided, single submitter. Criteria: K & H Uppaluri Personalized Medicine Clinic Variant Classification & Assertion Criteria_Updated V.1. Collection method: research. Allele origin: somatic. Inheritance: Somatic mutation.
Comment: Mutations in ABCC8 gene are associated with both neonatal diabetes mellitus as well as MODY. Patients with this mutation may have a better response to sulfonylureas. However, no sufficient evidence is found to ascertain the role of this particular variant (rs770984647) in MODY yet.

Clinical Genomics, Uppaluri K&H Personalized Medicine Clinic
Classification: Uncertain significance for Transitory neonatal diabetes mellitus. Review status: criteria provided, single submitter. Criteria: K & H Uppaluri Personalized Medicine Clinic Variant Classification & Assertion Criteria_Updated V.1. Collection method: research. Allele origin: somatic. Inheritance: Somatic mutation.
Comment: Mutations in ABCC8 gene are associated with both neonatal diabetes mellitus as well as MODY. Patients with this mutation may have a better response to sulfonylureas. However, no sufficient evidence is found to ascertain the role of this particular variant (rs770984647 ) in neonatal diabetes yet.

Literature cited by the submitters: PubMed 16885549 (cited by Clinical Genomics, Uppaluri K&H Personalized Medicine Clinic); PubMed 21989597 (cited by Clinical Genomics, Uppaluri K&H Personalized Medicine Clinic); PubMed 27538677 (cited by Clinical Genomics, Uppaluri K&H Personalized Medicine Clinic); PubMed 18981553 (cited by Clinical Genomics, Uppaluri K&H Personalized Medicine Clinic); PubMed 32027066 (cited by Clinical Genomics, Uppaluri K&H Personalized Medicine Clinic); PubMed 16613899 (cited by Clinical Genomics, Uppaluri K&H Personalized Medicine Clinic); PubMed 18025408 (cited by Clinical Genomics, Uppaluri K&H Personalized Medicine Clinic); PubMed 32792356 (cited by Clinical Genomics, Uppaluri K&H Personalized Medicine Clinic).

NM_000352.6(ABCC8):c.4546-4G>A

Gene: ABCC8 (ATP binding cassette subfamily C member 8; minus strand). Cytogenetic location: 11p15.1.
Variant type: single nucleotide variant.
Coding change: c.4546-4G>A on transcript NM_000352.6 (MANE Select); 4 bases into the intron before coding-DNA position 4546, G replaced by A.
Molecular consequence: intron variant.
Genome position (GRCh38, 1-based): chr11:17,393,763, C>T on the plus strand (G>A on the coding strand, the complement: ABCC8 is on the minus strand). VCF-style: chr11-17393763-C-T. GRCh37 (hg19) VCF-style: chr11-17415310-C-T.
Other names: c.4543-4G>A (NM_001351297.2); c.4546-4G>A (NM_001351296.2); c.4612-4G>A (NM_001351295.2); c.4549-4G>A (NM_001287174.3).
Identifiers: ClinVar variation 766352 (VCV000766352.10), dbSNP rs770984647, ClinGen allele CA5902428.